The following is an entry in ClinVar:

NM_014921.5(ADGRL1):c.258G>A (p.Pro86=)

Gene: ADGRL1 (adhesion G protein-coupled receptor L1; minus strand). Cytogenetic location: 19p13.12.
Variant type: single nucleotide variant.
Coding change: c.258G>A on transcript NM_014921.5 (MANE Select); coding-DNA position 258, G replaced by A.
Protein change: p.Pro86=; no amino-acid change (proline 86 retained).
Molecular consequence: synonymous variant.
Genome position (GRCh38, 1-based): chr19:14,177,557, C>T on the plus strand (G>A on the coding strand, the complement: ADGRL1 is on the minus strand). VCF-style: chr19-14177557-C-T. GRCh37 (hg19) VCF-style: chr19-14288369-C-T.
Other names: c.258G>A, p.Pro86= (NM_001008701.3).
Identifiers: ClinVar variation 3770540 (VCV003770540.13).

ClinVar aggregate classification (germline): Benign (1 of 4 stars; one submission).

gnomAD v4.1: 19,465 of 1,614,180 alleles (1.2%); highest among the groups gnomAD compares: Non-Finnish European, 1.3%; 175 homozygotes.

Submission:

CeGaT Center for Human Genetics Tuebingen
Classification: Benign. Last evaluated: 2026-09-01. Review status: criteria provided, single submitter. Criteria: CeGaT Center For Human Genetics Tuebingen Variant Classification Criteria Version 2. Collection method: clinical testing. Allele origin: germline. Affected: yes. Observed: 34 variant alleles.
Comment: ADGRL1: BP4, BP7, BS1, BS2